The following is an entry in ClinVar:

NM_198506.5(LRIT3):c.103G>A (p.Gly35Ser)

Gene: LRIT3 (leucine rich repeat, Ig-like and transmembrane domains 3; plus strand). Cytogenetic location: 4q25.
Variant type: single nucleotide variant.
Coding change: c.103G>A on transcript NM_198506.5 (MANE Select); coding-DNA position 103, G replaced by A.
Protein change: p.Gly35Ser; replaces glycine 35 with serine.
Molecular consequence: missense variant.
Genome position (GRCh38, 1-based): chr4:109,848,304, G>A. VCF-style: chr4-109848304-G-A. GRCh37 (hg19) VCF-style: chr4-110769460-G-A.
Other names: short protein forms G35S.
Identifiers: ClinVar variation 2171428 (VCV002171428.3), dbSNP rs1401256663, ClinGen allele CA357869950.

ClinVar aggregate classification (germline): Uncertain significance (1 of 4 stars; one submission).

Allele frequency attached by ClinVar (database versions not stated): gnomAD exomes below 0.00001; gnomAD 0.00002; TOPMed 0.00002.
gnomAD v4.1: 7 of 1,231,172 alleles (0.00057%); highest among the groups gnomAD compares: African/African-American, 0.0031%; no homozygotes.

Submission:

Labcorp Genetics (formerly Invitae), Labcorp
Classification: Uncertain significance. Last evaluated: 2022-02-28. Review status: criteria provided, single submitter. Criteria: Invitae Variant Classification Sherloc (09022015). Collection method: clinical testing. Allele origin: germline.
Comment: This sequence change replaces glycine, which is neutral and non-polar, with serine, which is neutral and polar, at codon 35 of the LRIT3 protein (p.Gly35Ser). This variant is present in population databases (no rsID available, gnomAD 0.01%). This variant has not been reported in the literature in individuals affected with LRIT3-related conditions. Algorithms developed to predict the effect of missense changes on protein structure and function are either unavailable or do not agree on the potential impact of this missense change (SIFT: "Deleterious"; PolyPhen-2: "Benign"; Align-GVGD: "Class C0"). In summary, the available evidence is currently insufficient to determine the role of this variant in disease. Therefore, it has been classified as a Variant of Uncertain Significance.